The following is an entry in ClinVar:

ClinVar aggregate classification (germline): not provided (0 of 4 stars; one submission).

Allele frequency attached by ClinVar (database versions not stated): gnomAD 0.00001.
gnomAD v4.1: 2 of 1,614,012 alleles (0.00012%); highest among the groups gnomAD compares: African/African-American, 0.0027%; no homozygotes.

Submission:

Human Evolutionary Genetics, Institut Pasteur
No classification provided. Review status: no classification provided. Collection method: not provided. Allele origin: germline.
ClinVar note: Converted during submission from untested to not provided.

NM_176810.2(NLRP13):c.2650T>A (p.Cys884Ser)

Gene: NLRP13 (NLR family pyrin domain containing 13; minus strand). Cytogenetic location: 19q13.43.
Variant type: single nucleotide variant.
Coding change: c.2650T>A on transcript NM_176810.2 (MANE Select); coding-DNA position 2650, T replaced by A.
Protein change: p.Cys884Ser; replaces cysteine 884 with serine.
Molecular consequence: missense variant.
Genome position (GRCh38, 1-based): chr19:55,902,174, A>T on the plus strand (T>A on the coding strand, the complement: NLRP13 is on the minus strand). VCF-style: chr19-55902174-A-T. GRCh37 (hg19) VCF-style: chr19-56413540-A-T.
Other names: c.2650T>A, p.Cys884Ser (NM_001321057.1); short protein forms C884S.
Identifiers: ClinVar variation 103314 (VCV000103314.2), dbSNP rs199475877, ClinGen allele CA230402.